The following is an entry in ClinVar:

ClinVar aggregate classification (germline): Uncertain significance (1 of 4 stars; one submission).

Conditions:
Bloom syndrome (BLM). Also called: Bloom-Torre-Machacek syndrome. Identifiers: Orphanet 125, MedGen C0005859, MONDO:0008876, OMIM 210900.

Submission:

Labcorp Genetics (formerly Invitae), Labcorp
Classification: Uncertain significance for Bloom syndrome. Last evaluated: 2025-12-16. Review status: criteria provided, single submitter. Criteria: Invitae Variant Classification Sherloc (09022015). Collection method: clinical testing. Allele origin: germline.
Comment: This sequence change replaces asparagine, which is neutral and polar, with lysine, which is basic and polar, at codon 638 of the BLM protein (p.Asn638Lys). This variant is not present in population databases (gnomAD no frequency). This variant has not been reported in the literature in individuals affected with BLM-related conditions. Invitae Evidence Modeling of protein sequence and biophysical properties (such as structural, functional, and spatial information, amino acid conservation, physicochemical variation, residue mobility, and thermodynamic stability) indicates that this missense variant is not expected to disrupt BLM protein function with a negative predictive value of 80%. In summary, the available evidence is currently insufficient to determine the role of this variant in disease. Therefore, it has been classified as a Variant of Uncertain Significance.

NM_000057.4(BLM):c.1914T>G (p.Asn638Lys)

Gene: BLM (BLM RecQ like helicase; plus strand). Cytogenetic location: 15q26.1.
Variant type: single nucleotide variant.
Coding change: c.1914T>G on transcript NM_000057.4 (MANE Select); coding-DNA position 1914, T replaced by G.
Protein change: p.Asn638Lys; replaces asparagine 638 with lysine.
Molecular consequence: missense variant.
Genome position (GRCh38, 1-based): chr15:90,762,997, T>G. VCF-style: chr15-90762997-T-G. GRCh37 (hg19) VCF-style: chr15-91306227-T-G.
Other names: c.1914T>G, p.Asn638Lys (NM_001287246.2, NM_001287247.2); c.789T>G, p.Asn263Lys (NM_001287248.2); short protein forms N263K, N638K.
Identifiers: ClinVar variation 4708654 (VCV004708654.1).